The following is an entry in ClinVar:

ClinVar aggregate classification (germline): Pathogenic (1 of 4 stars; one submission).

Conditions:
Vici syndrome (VICIS). Identifiers: Orphanet 1493, MedGen C1855772, MONDO:0009452, OMIM 242840.

Submission:

3billion
Classification: Pathogenic for Vici syndrome. Last evaluated: 2023-09-07. Review status: criteria provided, single submitter. Criteria: ACMG Guidelines, 2015. Collection method: clinical testing. Allele origin: germline. Affected: yes.
Comment: The variant is not observed in the gnomAD v2.1.1 dataset. Predicted Consequence/Location: Frameshift: predicted to result in a loss or disruption of normal protein function through nonsense-mediated decay (NMD) or protein truncation. Multiple pathogenic variants are reported downstream of the variant. Therefore, this variant is classified as Pathogenic according to the recommendation of ACMG/AMP guideline.

NM_020964.3(EPG5):c.3250_3251insTC (p.His1084fs)

Gene: EPG5 (ectopic P-granules 5 autophagy tethering factor; minus strand). Cytogenetic location: 18q21.1.
Variant type: Insertion.
Coding change: c.3250_3251insTC on transcript NM_020964.3 (MANE Select); coding-DNA positions 3250 to 3251, TC inserted.
Protein change: p.His1084fs; shifts the reading frame from histidine 1084.
Molecular consequence: frameshift variant.
Genome position: GRCh38 VCF-style: chr18-45916571-T-TGA. GRCh37 (hg19) VCF-style: chr18-43496536-T-TGA.
Other names: c.3250_3251insTC, p.His1084fs (NM_001410858.1, NM_001410859.1); short protein forms H1084fs.
Identifiers: ClinVar variation 3776225 (VCV003776225.1).